The following is an entry in ClinVar:

ClinVar aggregate classification (germline): Conflicting classifications of pathogenicity. Review status: criteria provided, conflicting classifications (1 of 4 stars). 3 submissions from 3 submitters: Uncertain significance (1); Likely benign (2). Last evaluated 2025-07-18.

Conditions:
Dystonia 12 (DYT12). Also called: Rapid-Onset Dystonia-Parkinsonism (RDP); DYT-ATP1A3. Identifiers: Orphanet 71517, MedGen C1868681, MONDO:0007496, OMIM 128235.

Allele frequency attached by ClinVar (database versions not stated): gnomAD 0.00003; gnomAD exomes 0.00003 and 0.00004; TOPMed 0.00003; ExAC 0.00005.
gnomAD v4.1: 50 of 1,613,862 alleles (0.0031%); highest among the groups gnomAD compares: African/African-American, 0.004%; no homozygotes.

Submissions (3):

Labcorp Genetics (formerly Invitae), Labcorp
Classification: Likely benign for Dystonia 12. Last evaluated: 2025-07-18. Review status: criteria provided, single submitter. Criteria: Invitae Variant Classification Sherloc (09022015). Collection method: clinical testing. Allele origin: germline.

Women's Health and Genetics/Laboratory Corporation of America, LabCorp
Classification: Uncertain significance. Last evaluated: 2025-04-30. Review status: criteria provided, single submitter. Criteria: LabCorp Variant Classification Summary - May 2015. Collection method: clinical testing. Allele origin: germline.
Comment: Variant summary: ATP1A3 c.724+8G>A alters a nucleotide located at a position not widely known to affect splicing. Several computational tools predict a significant impact on normal splicing: Two predict the variant creates/strengthens a cryptic 5' donor site. One predicts the variant has no significant impact on splicing. However, these predictions have yet to be confirmed by functional studies. The variant allele was found at a frequency of 3.6e-05 in 251442 control chromosomes. The available data on variant occurrences in the general population are insufficient to allow any conclusion about variant significance. To our knowledge, no occurrence of c.724+8G>A in individuals affected with ATP1A3-Related Disorders and no experimental evidence demonstrating its impact on protein function have been reported. ClinVar contains an entry for this variant (Variation ID: 696637). Based on the evidence outlined above, the variant was classified as uncertain significance.

Blueprint Genetics
Classification: Likely benign. Last evaluated: 2021-11-25. Review status: criteria provided, single submitter. Criteria: ACMG Guidelines, 2015. Collection method: clinical testing. Allele origin: germline.

NM_152296.5(ATP1A3):c.724+8G>A

Gene: ATP1A3 (ATPase Na+/K+ transporting subunit alpha 3; minus strand). Cytogenetic location: 19q13.2.
Variant type: single nucleotide variant.
Coding change: c.724+8G>A on transcript NM_152296.5 (MANE Select); 8 bases into the intron after coding-DNA position 724, G replaced by A.
Molecular consequence: intron variant.
Genome position (GRCh38, 1-based): chr19:41,985,298, C>T on the plus strand (G>A on the coding strand, the complement: ATP1A3 is on the minus strand). VCF-style: chr19-41985298-C-T. GRCh37 (hg19) VCF-style: chr19-42489450-C-T.
Other names: c.763+8G>A (NM_001256214.2); c.757+8G>A (NM_001256213.2).
Identifiers: ClinVar variation 696637 (VCV000696637.14), dbSNP rs781886157, ClinGen allele CA9467805.